The following is an entry in ClinVar:

ClinVar aggregate classification (germline): Uncertain significance. Review status: criteria provided, multiple submitters, no conflicts (2 of 4 stars). 2 submissions from 2 submitters: Uncertain significance (2). Last evaluated 2025-11-18.

Conditions:
Inborn genetic diseases. Identifiers: MedGen C0950123, MeSH D030342.
Pyogenic arthritis-pyoderma gangrenosum-acne syndrome (PAPA). Also called: PAPA SYNDROME; FAMILIAL RECURRENT ARTHRITIS. Identifiers: Orphanet 69126, MedGen C1858361, MONDO:0011462, OMIM 604416.

Allele frequency attached by ClinVar (database versions not stated): gnomAD 0.00004; gnomAD exomes 0.00007; TOPMed 0.00007; ExAC 0.00014.
gnomAD v4.1: 68 of 1,582,960 alleles (0.0043%); highest among the groups gnomAD compares: Admixed American, 0.029%; no homozygotes.

Submissions (2):

Labcorp Genetics (formerly Invitae), Labcorp
Classification: Uncertain significance for Pyogenic arthritis-pyoderma gangrenosum-acne syndrome. Last evaluated: 2025-11-18. Review status: criteria provided, single submitter. Criteria: Invitae Variant Classification Sherloc (09022015). Collection method: clinical testing. Allele origin: germline.
Comment: This sequence change replaces serine, which is neutral and polar, with leucine, which is neutral and non-polar, at codon 183 of the PSTPIP1 protein (p.Ser183Leu). This variant is present in population databases (rs772549153, gnomAD 0.03%), and has an allele count higher than expected for a pathogenic variant. This variant has not been reported in the literature in individuals affected with PSTPIP1-related conditions. ClinVar contains an entry for this variant (Variation ID: 578048). Invitae Evidence Modeling of protein sequence and biophysical properties (such as structural, functional, and spatial information, amino acid conservation, physicochemical variation, residue mobility, and thermodynamic stability) indicates that this missense variant is not expected to disrupt PSTPIP1 protein function with a negative predictive value of 80%. In summary, the available evidence is currently insufficient to determine the role of this variant in disease. Therefore, it has been classified as a Variant of Uncertain Significance.

Ambry Genetics
Classification: Uncertain significance for Inborn genetic diseases. Last evaluated: 2024-07-06. Review status: criteria provided, single submitter. Criteria: Ambry Variant Classification Scheme 2023. Collection method: clinical testing. Allele origin: germline.

NM_003978.5(PSTPIP1):c.548C>T (p.Ser183Leu)

Gene: PSTPIP1 (proline-serine-threonine phosphatase interacting protein 1; plus strand). Cytogenetic location: 15q24.3.
Variant type: single nucleotide variant.
Coding change: c.548C>T on transcript NM_003978.5 (MANE Select); coding-DNA position 548, C replaced by T.
Protein change: p.Ser183Leu; replaces serine 183 with leucine.
Molecular consequence: missense variant. On other transcripts: non-coding transcript variant (1).
Genome position (GRCh38, 1-based): chr15:77,029,560, C>T. VCF-style: chr15-77029560-C-T. GRCh37 (hg19) VCF-style: chr15-77321901-C-T.
Other names: c.548C>T, p.Ser183Leu (NM_001321135.2); c.521C>T, p.Ser174Leu (NM_001321136.2); c.743C>T, p.Ser248Leu (NM_001321137.1); short protein forms S183L, S174L, S248L.
Identifiers: ClinVar variation 578048 (VCV000578048.9), dbSNP rs772549153, ClinGen allele CA7675859.
Genomic context (GRCh38, chr15:77,029,560, plus strand): 5'-TTAGCGCTGCTTCCCCTCTGTTTCCTCAGAGTCAGAACAAAGCCAGGCAGTGCAAGGACT[C>T]GGCCACCGAGGCAGGTATGTGGGCCTGGCTGCCCCGTCCGACCAGGGCGGAGGCCTGGGC-3'
Protein context (NP_003969.2, residues 173-193): SQNKARQCKD[Ser183Leu]ATEAERVYRQ